The following is an entry in ClinVar:

NM_024675.4(PALB2):c.3113+10C>T

Gene: PALB2 (partner and localizer of BRCA2; minus strand). Cytogenetic location: 16p12.2.
Variant type: single nucleotide variant.
Coding change: c.3113+10C>T on transcript NM_024675.4 (MANE Select); 10 bases into the intron after coding-DNA position 3113, C replaced by T.
Molecular consequence: intron variant.
Genome position (GRCh38, 1-based): chr16:23,621,352, G>A on the plus strand (C>T on the coding strand, the complement: PALB2 is on the minus strand). VCF-style: chr16-23621352-G-A. GRCh37 (hg19) VCF-style: chr16-23632673-G-A.
Identifiers: ClinVar variation 514169 (VCV000514169.2), dbSNP rs1030025333, ClinGen allele CA279533238.

ClinVar aggregate classification (germline): Likely benign. Review status: criteria provided, multiple submitters, no conflicts (2 of 4 stars). 2 submissions from 2 submitters: Likely benign (2). Last evaluated 2025-01-21.

Conditions:
Familial cancer of breast. Also called: BREAST CANCER, FAMILIAL; hereditary breast carcinoma; Hereditary breast cancer. Identifiers: Orphanet 227535, MedGen C0346153, MONDO:0016419, OMIM 114480. Disease mechanism: loss of function.

Submissions (2):

Myriad Genetics, Inc.
Classification: Likely benign for Familial cancer of breast. Last evaluated: 2025-01-21. Review status: criteria provided, single submitter. Criteria: Myriad Autosomal Dominant, Autosomal Recessive and X-Linked Classification Criteria (2023). Collection method: clinical testing. Allele origin: unknown.
Comment: This variant is considered likely benign. This variant is intronic and is not expected to impact mRNA splicing.

GeneDx
Classification: Likely benign. Last evaluated: 2017-12-13. Review status: criteria provided, single submitter. Criteria: GeneDx Variant Classification (06012015). Collection method: clinical testing. Allele origin: germline. Affected: yes.
Comment: This variant is considered likely benign or benign based on one or more of the following criteria: it is a conservative change, it occurs at a poorly conserved position in the protein, it is predicted to be benign by multiple in silico algorithms, and/or has population frequency not consistent with disease.